The following is an entry in ClinVar:

NM_001849.4(COL6A2):c.870C>T (p.Ile290=)

Gene: COL6A2 (collagen type VI alpha 2 chain; plus strand). Cytogenetic location: 21q22.3.
Variant type: single nucleotide variant.
Coding change: c.870C>T on transcript NM_001849.4 (MANE Select); coding-DNA position 870, C replaced by T.
Protein change: p.Ile290=; no amino-acid change (isoleucine 290 retained).
Molecular consequence: synonymous variant.
Genome position (GRCh38, 1-based): chr21:46,116,023, C>T. VCF-style: chr21-46116023-C-T. GRCh37 (hg19) VCF-style: chr21-47535937-C-T.
Other names: c.870C>T, p.Ile290= (NM_058174.3, NM_058175.3).
Identifiers: ClinVar variation 4822437 (VCV004822437.4).

ClinVar aggregate classification (germline): Likely benign (1 of 4 stars; one submission).

gnomAD v4.1: 9 of 1,605,608 alleles (0.00056%); highest among the groups gnomAD compares: Non-Finnish European, 0.00076%; no homozygotes.

Submission:

CeGaT Center for Human Genetics Tuebingen
Classification: Likely benign. Last evaluated: 2026-02-01. Review status: criteria provided, single submitter. Criteria: CeGaT Center For Human Genetics Tuebingen Variant Classification Criteria Version 2. Collection method: clinical testing. Allele origin: germline. Affected: yes. Observed: 1 variant allele.
Comment: COL6A2: BP4, BP7